The following is an entry in ClinVar:

ClinVar aggregate classification (germline): Benign/Likely benign. Review status: criteria provided, multiple submitters, no conflicts (2 of 4 stars). 7 submissions from 7 submitters: Benign (3); Likely benign (4). Last evaluated 2026-04-06.

Conditions:
Cardiovascular phenotype. Identifiers: MedGen CN230736.

Allele frequency attached by ClinVar (database versions not stated): TOPMed 0.00375; gnomAD exomes 0.00032 and 0.00072; ExAC 0.00145; 1000 Genomes Project 0.00240; 1000 Genomes Project 30x 0.00297; gnomAD 0.00349 and 0.00374.
gnomAD v4.1: 992 of 1,550,280 alleles (0.064%); highest among the groups gnomAD compares: African/African-American, 1.2%; 10 homozygotes.

Submissions (7):

Women's Health and Genetics/Laboratory Corporation of America, LabCorp
Classification: Likely benign. Last evaluated: 2026-04-06. Review status: criteria provided, single submitter. Criteria: LabCorp Variant Classification Summary - May 2015. Collection method: clinical testing. Allele origin: germline.

CeGaT Center for Human Genetics Tuebingen
Classification: Likely benign. Last evaluated: 2026-04-01. Review status: criteria provided, single submitter. Criteria: CeGaT Center For Human Genetics Tuebingen Variant Classification Criteria Version 2. Collection method: clinical testing. Allele origin: germline. Affected: yes. Observed: 2 variant alleles.
Comment: ZNF469: BP4, BP7, BS1

Labcorp Genetics (formerly Invitae), Labcorp
Classification: Benign. Last evaluated: 2026-02-02. Review status: criteria provided, single submitter. Criteria: Invitae Variant Classification Sherloc (09022015). Collection method: clinical testing. Allele origin: germline.

Mayo Clinic Laboratories, Mayo Clinic
Classification: Benign. Last evaluated: 2025-06-05. Review status: criteria provided, single submitter. Criteria: ACMG Guidelines, 2015. Collection method: clinical testing. Allele origin: germline. Observed: 2 variant alleles.
Comment: BS1, BS2, BP4, BP7

Blueprint Genetics
Classification: Likely benign. Last evaluated: 2024-10-09. Review status: criteria provided, single submitter. Criteria: ACMG Guidelines, 2015. Collection method: clinical testing. Allele origin: germline.

Ambry Genetics
Classification: Likely benign for Cardiovascular phenotype. Last evaluated: 2019-07-05. Review status: criteria provided, single submitter. Criteria: Ambry Variant Classification Scheme 2023. Collection method: clinical testing. Allele origin: germline.

GeneDx
Classification: Benign. Last evaluated: 2019-03-08. Review status: criteria provided, single submitter. Criteria: GeneDx Variant Classification Process June 2021. Collection method: clinical testing. Allele origin: germline. Affected: yes.

NM_001367624.2(ZNF469):c.5856T>C (p.Cys1952=)

Gene: ZNF469 (zinc finger protein 469; plus strand). Cytogenetic location: 16q24.2.
Variant type: single nucleotide variant.
Coding change: c.5856T>C on transcript NM_001367624.2 (MANE Select); coding-DNA position 5856, T replaced by C.
Protein change: p.Cys1952=; no amino-acid change (cysteine 1952 retained).
Molecular consequence: synonymous variant.
Genome position (GRCh38, 1-based): chr16:88,433,326, T>C. VCF-style: chr16-88433326-T-C. GRCh37 (hg19) VCF-style: chr16-88499734-T-C.
Other names: NM_001127464.1:c.5772T>C; p.Cys1952=.
Identifiers: ClinVar variation 320946 (VCV000320946.26), dbSNP rs186652137, ClinGen allele CA8225109.